The following is an entry in ClinVar:

NM_001159699.2(FHL1):c.875G>A (p.Cys292Tyr)

Gene: FHL1 (four and a half LIM domains 1; plus strand). Cytogenetic location: Xq26.3.
Variant type: single nucleotide variant.
Coding change: c.875G>A on transcript NM_001159699.2 (MANE Select); coding-DNA position 875, G replaced by A.
Protein change: p.Cys292Tyr; replaces cysteine 292 with tyrosine.
Molecular consequence: missense variant. On other transcripts: 3 prime UTR variant (6), non-coding transcript variant (1).
Genome position (GRCh38, 1-based): chrX:136,210,009, G>A. VCF-style: chrX-136210009-G-A. GRCh37 (hg19) VCF-style: chrX-135292168-G-A.
Other names: c.827G>A, p.Cys276Tyr (NM_001167819.1, NM_001369329.1, NM_001369330.1 and 4 more transcripts); c.*55G>A (NM_001330659.2, NM_001369326.1, NM_001369327.2 and 3 more transcripts); c.914G>A, p.Cys305Tyr (NM_001159701.2); short protein forms C276Y, C292Y, C305Y.
Identifiers: ClinVar variation 1459000 (VCV001459000.6), dbSNP rs2148384040, ClinGen allele CA414609927.
Genomic context (GRCh38, chrX:136,210,009, plus strand): 5'-CCGTGAATCTGGCCAACAAGCGCTTTGTTTTCCACCAGGAGCAAGTGTATTGTCCCGACT[G>A]TGCCAAAAAGCTGTAAACTGACAGGGGCTCCTGTCCTGTAAAATGGCATTTGAATCTCGT-3'
Protein context (NP_001153171.1, residues 282-296): FHQEQVYCPD[Cys292Tyr]AKKL

ClinVar aggregate classification (germline): Pathogenic (1 of 4 stars; one submission).

Conditions:
X-linked myopathy with postural muscle atrophy. Also called: FHL1-Related Emery-Dreifuss Muscular Dystrophy, X-Linked. Identifiers: Orphanet 178461, MedGen C2678055, MONDO:0010401, OMIM 300696.

Submission:

Labcorp Genetics (formerly Invitae), Labcorp
Classification: Pathogenic for X-linked myopathy with postural muscle atrophy. Last evaluated: 2023-11-07. Review status: criteria provided, single submitter. Criteria: Invitae Variant Classification Sherloc (09022015). Collection method: clinical testing. Allele origin: germline.
Comment: This sequence change replaces cysteine, which is neutral and slightly polar, with tyrosine, which is neutral and polar, at codon 276 of the FHL1 protein (p.Cys276Tyr). This variant is not present in population databases (gnomAD no frequency). This missense change has been observed in individual(s) with clinical features of Emery-Dreifuss muscular dystrophy (PMID: 19716112). It has also been observed to segregate with disease in related individuals. ClinVar contains an entry for this variant (Variation ID: 1459000). An algorithm developed to predict the effect of missense changes on protein structure and function (PolyPhen-2) suggests that this variant is likely to be disruptive. Studies have shown that this missense change does not significantly alter or has an unclear effect on FHL1 gene expression (PMID: 19716112, 22523091, 24634512). This variant disrupts the p.Cys276 amino acid residue in FHL1. Other variant(s) that disrupt this residue have been observed in individuals with FHL1-related conditions (PMID: 22523091; Invitae), which suggests that this may be a clinically significant amino acid residue. For these reasons, this variant has been classified as Pathogenic.

Literature cited by the submitters: PubMed 19716112; PubMed 22523091; PubMed 24634512.